The following is an entry in ClinVar:

ClinVar aggregate classification (germline): Benign. Review status: criteria provided, multiple submitters, no conflicts (2 of 4 stars). 3 submissions from 3 submitters: Benign (2). 1 of the submissions does not count toward it. Last evaluated 2018-06-27.

Conditions:
MADD-related disorder. Also called: MADD-related condition; MADD-Related Disorders.

Allele frequency attached by ClinVar (database versions not stated): gnomAD 0.00659; ESP Exome Variant Server 0.00692; TOPMed 0.00726; 1000 Genomes Project 0.00739; 1000 Genomes Project 30x 0.00765.
gnomAD v4.1: 2,158 of 1,614,138 alleles (0.13%); highest among the groups gnomAD compares: African/African-American, 2.5%; 21 homozygotes.

Submissions (3):

Labcorp Genetics (formerly Invitae), Labcorp
Classification: Benign. Last evaluated: 2018-06-27. Review status: criteria provided, single submitter. Criteria: Invitae Variant Classification Sherloc (09022015). Collection method: clinical testing. Allele origin: germline.

Breakthrough Genomics
Classification: Benign. Review status: criteria provided, single submitter. Criteria: ACMG Guidelines, 2015. Collection method: not provided. Allele origin: germline. Inheritance: Autosomal recessive inheritance. Affected: yes.

PreventionGenetics, part of Exact Sciences
Classification: Benign for MADD-related condition. Last evaluated: 2019-04-26. Review status: no assertion criteria provided. Collection method: clinical testing. Allele origin: germline. Not counted in ClinVar's aggregate classification.
Comment: This variant is classified as benign based on ACMG/AMP sequence variant interpretation guidelines (Richards et al. 2015 PMID: 25741868, with internal and published modifications).

NM_001376571.1(MADD):c.482G>A (p.Arg161His)

Gene: MADD (MAP kinase activating death domain; plus strand). Cytogenetic location: 11p11.2.
Variant type: single nucleotide variant.
Coding change: c.482G>A on transcript NM_001376571.1 (MANE Select); coding-DNA position 482, G replaced by A.
Protein change: p.Arg161His; replaces arginine 161 with histidine.
Molecular consequence: missense variant. On other transcripts: non-coding transcript variant (8), intron variant (1).
Genome position (GRCh38, 1-based): chr11:47,274,982, G>A. VCF-style: chr11-47274982-G-A. GRCh37 (hg19) VCF-style: chr11-47296533-G-A.
Other names: c.482G>A, p.Arg161His (NM_001135943.2, NM_001135944.2, NM_001376572.1 and 80 more transcripts); c.278G>A, p.Arg93His (NM_001376620.1, NM_001376626.1, NM_001376627.1 and 9 more transcripts); c.-7-917G>A (NM_001376663.1); short protein forms R93H, R161H.
Identifiers: ClinVar variation 779197 (VCV000779197.7), dbSNP rs61733162, ClinGen allele CA5973872.